The following is an entry in ClinVar:

ClinVar aggregate classification (germline): Uncertain significance (1 of 4 stars; one submission).

Conditions:
Cardiovascular phenotype. Identifiers: MedGen CN230736.

Submission:

Ambry Genetics
Classification: Uncertain significance for Cardiovascular phenotype. Last evaluated: 2023-01-19. Review status: criteria provided, single submitter. Criteria: Ambry Variant Classification Scheme 2023. Collection method: clinical testing. Allele origin: germline.
Comment: The p.S165L variant (also known as c.494C>T), located in coding exon 1 of the KCNJ2 gene, results from a C to T substitution at nucleotide position 494. The serine at codon 165 is replaced by leucine, an amino acid with dissimilar properties. In vitro studies suggest this variant may have some impact on channel function (Thompson GA et al. J Physiol, 2000 Jul;526 Pt 2:231-4; Fujiwara Y et al. J Gen Physiol, 2002 Nov;120:677-93; Lee YM et al. Korean J Physiol Pharmacol, 2009 Feb;13:61-70; Huang CW et al. Pflugers Arch, 2014 Feb;466:275-93). This amino acid position is highly conserved in available vertebrate species. In addition, this alteration is predicted to be deleterious by in silico analysis. Since supporting evidence is limited at this time, the clinical significance of this alteration remains unclear.

Literature cited by the submitters: PubMed 10896714; PubMed 12407079; PubMed 19885028; PubMed 23873351; PubMed 25220134; PubMed 25913355; PubMed 26869275.

NM_000891.3(KCNJ2):c.494C>T (p.Ser165Leu)

Gene: KCNJ2 (potassium inwardly rectifying channel subfamily J member 2; plus strand). Cytogenetic location: 17q24.3.
Variant type: single nucleotide variant.
Coding change: c.494C>T on transcript NM_000891.3 (MANE Select); coding-DNA position 494, C replaced by T.
Protein change: p.Ser165Leu; replaces serine 165 with leucine.
Molecular consequence: missense variant.
Genome position (GRCh38, 1-based): chr17:70,175,533, C>T. VCF-style: chr17-70175533-C-T. GRCh37 (hg19) VCF-style: chr17-68171674-C-T.
Other names: short protein forms S165L.
Identifiers: ClinVar variation 2447141 (VCV002447141.2), dbSNP rs2509921143, ClinGen allele CA400860724.
Genomic context (GRCh38, chr17:70,175,533, plus strand): 5'-ATGGTTTCAGATGTGTCACGGATGAATGCCCAATTGCTGTTTTCATGGTGGTGTTCCAGT[C>T]AATCGTGGGCTGCATCATCGATGCTTTCATCATTGGCGCAGTCATGGCCAAGATGGCAAA-3'
Protein context (NP_000882.1, residues 155-175): PIAVFMVVFQ[Ser165Leu]IVGCIIDAFI